The following is an entry in ClinVar:

NM_001723.7(DST):c.4481A>G (p.His1494Arg)

Gene: DST (dystonin; minus strand). Cytogenetic location: 6p12.1.
Variant type: single nucleotide variant.
Coding change: c.4481A>G on transcript NM_001723.7 (MANE Plus Clinical); coding-DNA position 4481, A replaced by G.
Protein change: p.His1494Arg; replaces histidine 1494 with arginine.
Molecular consequence: missense variant. On other transcripts: intron variant (10).
Genome position (GRCh38, 1-based): chr6:56,619,553, T>C on the plus strand (A>G on the coding strand, the complement: DST is on the minus strand). VCF-style: chr6-56619553-T-C. GRCh37 (hg19) VCF-style: chr6-56484351-T-C.
Other names: c.4830+4977A>G (NM_001144769.5); c.4929+4977A>G (NM_001374722.1, NM_001374736.1); c.4956+4977A>G (NM_001374734.1); c.4416+4977A>G (NM_001144770.2); c.4296+4977A>G (NM_001374730.1, NM_001386100.1, NM_183380.4 and 1 more transcripts); c.3318+4977A>G (NM_015548.5); short protein forms H1494R.
Identifiers: ClinVar variation 4788290 (VCV004788290.1).

ClinVar aggregate classification (germline): Uncertain significance (1 of 4 stars; one submission).

Conditions:
Epidermolysis bullosa simplex 3, localized or generalized intermediate, with BP230 deficiency (EBS3). Also called: Epidermolysis bullosa simplex, autosomal recessive 2; Epidermolysis bullosa simplex due to BP230 deficiency. Identifiers: Orphanet 412181, MedGen C3809470, MONDO:0014180, OMIM 615425.
Hereditary sensory and autonomic neuropathy type 6. Also called: HSAN VI; Neuropathy, hereditary sensory and autonomic, type VI. Identifiers: Orphanet 314381, MedGen C3539003, MONDO:0013839, OMIM 614653.

gnomAD v4.1: 2 of 1,613,958 alleles (0.00012%); highest among the groups gnomAD compares: Non-Finnish European, 0.00017%; no homozygotes.

Submission:

Labcorp Genetics (formerly Invitae), Labcorp
Classification: Uncertain significance for Epidermolysis bullosa simplex 3, localized or generalized intermediate, with BP230 deficiency; Hereditary sensory and autonomic neuropathy type 6. Last evaluated: 2025-05-18. Review status: criteria provided, single submitter. Criteria: Invitae Variant Classification Sherloc (09022015). Collection method: clinical testing. Allele origin: germline.
Comment: This sequence change replaces histidine, which is basic and polar, with arginine, which is basic and polar, at codon 1494 of the DST protein (p.His1494Arg). This variant is not present in population databases (gnomAD no frequency). This variant has not been reported in the literature in individuals affected with DST-related conditions. An algorithm developed to predict the effect of missense changes on protein structure and function (PolyPhen-2) suggests that this variant is likely to be tolerated. In summary, the available evidence is currently insufficient to determine the role of this variant in disease. Therefore, it has been classified as a Variant of Uncertain Significance.